The following is an entry in ClinVar:

ClinVar aggregate classification (germline): Conflicting classifications of pathogenicity. Review status: criteria provided, conflicting classifications (1 of 4 stars). 6 submissions from 6 submitters: Uncertain significance (3); Likely benign (1). 2 of the submissions do not count toward it. Last evaluated 2026-07-01.

Conditions:
Glycogen storage disease, type II (IOPD). Also called: CARDIOMEGALIA GLYCOGENICA DIFFUSA; GLYCOGENOSIS, GENERALIZED, CARDIAC FORM; GSD II; POMPE DISEASE, INFANTILE-ONSET; GLYCOGEN STORAGE DISEASE II, INFANTILE-ONSET; ACID ALPHA-GLUCOSIDASE DEFICIENCY, INFANTILE-ONSET. Identifiers: Orphanet 365, MedGen C0017921, MONDO:0009290, OMIM 232300.

Allele frequency attached by ClinVar (database versions not stated): TOPMed 0.00001; gnomAD 0.00001 and 0.00002; gnomAD exomes 0.00003; ExAC 0.00005.

Submissions (6):

Genomenon, Inc
Classification: Likely benign for Glycogen storage disease, type II. Last evaluated: 2026-07-01. Review status: criteria provided, single submitter. Criteria: Genomenon Sequence Variant Interpretation Standards - Updated. Collection method: curation. Allele origin: germline. Affected: no.
Comment: GAA p.Arg178Cys (c.532C>T) is a missense variant that changes the amino acid at codon 178 from Arginine to Cysteine. This variant has been reported in the published literature (PMID:18425781;37087815;31228295). Well-established functional studies show no damaging effect of this variant on protein function, supporting a benign classification (PMID:18425781). It is absent or not present at a significant frequency in gnomAD. In silico models predict that this variant is not damaging. In conclusion, we classify GAA p.Arg178Cys (c.532C>T) as a likely benign variant.

Labcorp Genetics (formerly Invitae), Labcorp
Classification: Uncertain significance for Glycogen storage disease, type II. Last evaluated: 2025-01-31. Review status: criteria provided, single submitter. Criteria: Invitae Variant Classification Sherloc (09022015). Collection method: clinical testing. Allele origin: germline.
Comment: This sequence change replaces arginine, which is basic and polar, with cysteine, which is neutral and slightly polar, at codon 178 of the GAA protein (p.Arg178Cys). This variant is present in population databases (rs762439362, gnomAD 0.02%). This missense change has been observed in individual(s) with Pompe disease (PMID: 18425781). ClinVar contains an entry for this variant (Variation ID: 526537). Invitae Evidence Modeling of protein sequence and biophysical properties (such as structural, functional, and spatial information, amino acid conservation, physicochemical variation, residue mobility, and thermodynamic stability) has been performed for this missense variant. However, the output from this modeling did not meet the statistical confidence thresholds required to predict the impact of this variant on GAA protein function. In summary, the available evidence is currently insufficient to determine the role of this variant in disease. Therefore, it has been classified as a Variant of Uncertain Significance.

Revvity Omics, Revvity
Classification: Uncertain significance. Last evaluated: 2024-07-30. Review status: criteria provided, single submitter. Criteria: ACMG Guidelines, 2015. Collection method: clinical testing. Allele origin: germline.

Fulgent Genetics
Classification: Uncertain significance for Glycogen storage disease, type II. Last evaluated: 2021-11-07. Review status: criteria provided, single submitter. Criteria: ACMG Guidelines, 2015. Collection method: clinical testing. Allele origin: unknown.

Natera, Inc.
Classification: Uncertain significance for Glycogen storage disease type II. Last evaluated: 2020-09-16. Review status: no assertion criteria provided. Collection method: clinical testing. Allele origin: germline. Not counted in ClinVar's aggregate classification.

Hong-Tao Li Lab, Institute of Brain Science and Brain-inspired Research, Shandong First Medical University & Shandong Academy of Medical Sciences China
Classification: Uncertain significance for Glycogen storage disease, type II. Review status: no assertion criteria provided. Collection method: research. Allele origin: germline. Inheritance: Autosomal recessive inheritance. Affected: yes. Observed: 1 variant allele, 1 homozygote. Not counted in ClinVar's aggregate classification.
Comment: Observed in affected individuals from a Pakistani neurodevelopmental-disorder research cohort of 263 individuals. Classification assigned using the ACMG/AMP framework. Population-frequency evidence: gnomAD AF 3.326e-05.

Literature cited by the submitters: PubMed 18425781 (cited by Genomenon, Inc and Labcorp Genetics (formerly Invitae), Labcorp); PubMed 37087815 (cited by Genomenon, Inc); PubMed 31228295 (cited by Genomenon, Inc).

NM_000152.5(GAA):c.532C>T (p.Arg178Cys)

Gene: GAA (alpha glucosidase; plus strand). Cytogenetic location: 17q25.3.
Variant type: single nucleotide variant.
Coding change: c.532C>T on transcript NM_000152.5 (MANE Select); coding-DNA position 532, C replaced by T.
Protein change: p.Arg178Cys; replaces arginine 178 with cysteine.
Molecular consequence: missense variant.
Genome position (GRCh38, 1-based): chr17:80,105,118, C>T. VCF-style: chr17-80105118-C-T. GRCh37 (hg19) VCF-style: chr17-78078917-C-T.
Other names: c.532C>T (LRG_673t1); c.532C>T, p.Arg178Cys (NM_001079803.3, NM_001079804.3); short protein forms R178C.
Identifiers: ClinVar variation 526537 (VCV000526537.11), dbSNP rs762439362, ClinGen allele CA8814888.